The following is an entry in ClinVar:

ClinVar aggregate classification (germline): Pathogenic. Review status: reviewed by expert panel (3 of 4 stars). 2 submissions from 2 submitters: Pathogenic (1). 1 of the submissions does not count toward it. Last evaluated 2017-12-15.

Conditions:
Breast-ovarian cancer, familial, susceptibility to, 2 (BROVCA2). Also called: BRCA2 Hereditary Breast and Ovarian Cancer. Identifiers: Orphanet 145, MedGen C2675520, MONDO:0012933, OMIM 612555. Disease mechanism: loss of function.
Familial cancer of breast. Also called: BREAST CANCER, FAMILIAL; Hereditary breast cancer; hereditary breast carcinoma. Identifiers: Orphanet 227535, MedGen C0346153, MONDO:0016419, OMIM 114480. Disease mechanism: loss of function.

Submissions (2):

Evidence-based Network for the Interpretation of Germline Mutant Alleles (ENIGMA)
Classification: Pathogenic for Breast-ovarian cancer, familial, susceptibility to, 2. Last evaluated: 2017-12-15. Review status: reviewed by expert panel. Criteria: ENIGMA BRCA1/2 Classification Criteria (2017-06-29). Collection method: curation. Allele origin: germline. Study: ENIGMA.
Comment: Variant allele predicted to encode a truncated non-functional protein.

ClinVar Staff, National Center for Biotechnology Information (NCBI)
No classification provided. Condition: Familial cancer of breast. Review status: no classification provided. Collection method: literature only. Allele origin: germline. Affected: yes. Not counted in ClinVar's aggregate classification.

Literature cited by the submitters: PubMed 17851763 (cited by ClinVar Staff, National Center for Biotechnology Information (NCBI)).

NM_000059.4(BRCA2):c.1082del (p.Asn361fs)

Gene: BRCA2 (BRCA2 DNA repair associated; plus strand). Cytogenetic location: 13q13.1.
Variant type: Deletion.
Coding change: c.1082del on transcript NM_000059.4 (MANE Select); coding-DNA position 1082, one base deleted (A; older notation c.1082delA).
Protein change: p.Asn361fs; shifts the reading frame from asparagine 361.
Molecular consequence: frameshift variant.
Genome position (GRCh38, 1-based): chr13:32,332,560, A deleted; the last of 3 consecutive A bases (chr13:32,332,558-32,332,560); deleting any one gives the same sequence. VCF-style (leftmost placement, unchanged base first): chr13-32332557-CA-C. GRCh37 (hg19) VCF-style: chr13-32906694-CA-C.
Other names: c.1082delA (NM_000059.3); short protein forms N361fs.
Identifiers: ClinVar variation 51061 (VCV000051061.3), dbSNP rs397507569, ClinGen allele CA010774.
Genomic context (GRCh38, chr13:32,332,557, plus strand): 5'-AATGTGAAAAATCTAAAAACCAAGTGAAAGAAAAATACTCATTTGTATCTGAAGTGGAAC[CA>C]AATGATACTGATCCATTAGATTCAAATGTAGCAAATCAGAAGCCCTTTGAGAGTGGAAGT-3'